The following is an entry in ClinVar:

ClinVar aggregate classification (germline): Uncertain significance. Review status: criteria provided, multiple submitters, no conflicts (2 of 4 stars). 2 submissions from 2 submitters: Uncertain significance (2). Last evaluated 2023-08-30.

Conditions:
Inborn genetic diseases. Identifiers: MedGen C0950123, MeSH D030342.
Neurodevelopmental disorder with or without hyperkinetic movements and seizures, autosomal dominant. Also called: Intellectual disability, autosomal dominant 8. Identifiers: MedGen C3280282, MONDO:0013655, OMIM 614254.

Submissions (2):

Labcorp Genetics (formerly Invitae), Labcorp
Classification: Uncertain significance for Neurodevelopmental disorder with or without hyperkinetic movements and seizures, autosomal dominant. Last evaluated: 2023-08-30. Review status: criteria provided, single submitter. Criteria: Invitae Variant Classification Sherloc (09022015). Collection method: clinical testing. Allele origin: germline.
Comment: In summary, the available evidence is currently insufficient to determine the role of this variant in disease. Therefore, it has been classified as a Variant of Uncertain Significance. Advanced modeling of protein sequence and biophysical properties (such as structural, functional, and spatial information, amino acid conservation, physicochemical variation, residue mobility, and thermodynamic stability) has been performed at Invitae for this missense variant, however the output from this modeling did not meet the statistical confidence thresholds required to predict the impact of this variant on GRIN1 protein function. ClinVar contains an entry for this variant (Variation ID: 1366003). This variant has not been reported in the literature in individuals affected with GRIN1-related conditions. This variant is not present in population databases (gnomAD no frequency). This sequence change replaces leucine, which is neutral and non-polar, with proline, which is neutral and non-polar, at codon 517 of the GRIN1 protein (p.Leu517Pro).

Ambry Genetics
Classification: Uncertain significance for Inborn genetic diseases. Last evaluated: 2018-03-13. Review status: criteria provided, single submitter. Criteria: Ambry Variant Classification Scheme 2023. Collection method: clinical testing. Allele origin: germline.
Comment: The p.L517P variant (also known as c.1550T>C), located in coding exon 11 of the GRIN1 gene, results from a T to C substitution at nucleotide position 1550. The leucine at codon 517 is replaced by proline, an amino acid with similar properties. This amino acid position is highly conserved in available vertebrate species. In addition, this alteration is predicted to be deleterious by in silico analysis. Since supporting evidence is limited at this time, the clinical significance of this alteration remains unclear.

NM_007327.4(GRIN1):c.1550T>C (p.Leu517Pro)

Gene: GRIN1 (glutamate ionotropic receptor NMDA type subunit 1; plus strand). Cytogenetic location: 9q34.3.
Variant type: single nucleotide variant.
Coding change: c.1550T>C on transcript NM_007327.4 (MANE Select); coding-DNA position 1550, T replaced by C.
Protein change: p.Leu517Pro; replaces leucine 517 with proline.
Molecular consequence: missense variant.
Genome position (GRCh38, 1-based): chr9:137,162,006, T>C. VCF-style: chr9-137162006-T-C. GRCh37 (hg19) VCF-style: chr9-140056458-T-C.
Other names: c.1550T>C, p.Leu517Pro (NM_000832.7, NM_021569.4); c.1613T>C, p.Leu538Pro (NM_001185090.2, NM_001185091.2); short protein forms L517P, L538P.
Identifiers: ClinVar variation 1366003 (VCV001366003.10), dbSNP rs771464830, ClinGen allele CA201687062.